The following is an entry in ClinVar:

NM_183381.3(RNF13):c.964T>A (p.Ser322Thr)

Gene: RNF13 (ring finger protein 13; plus strand). Cytogenetic location: 3q25.1.
Variant type: single nucleotide variant.
Coding change: c.964T>A on transcript NM_183381.3 (MANE Select); coding-DNA position 964, T replaced by A.
Protein change: p.Ser322Thr; replaces serine 322 with threonine.
Molecular consequence: missense variant. On other transcripts: non-coding transcript variant (1).
Genome position (GRCh38, 1-based): chr3:149,960,922, T>A. VCF-style: chr3-149960922-T-A. GRCh37 (hg19) VCF-style: chr3-149678709-T-A.
Other names: c.607T>A, p.Ser203Thr (NM_183383.2, NM_001378287.1, NM_001378288.1 and 2 more transcripts); c.964T>A, p.Ser322Thr (NM_001378285.1, NM_001378286.1, NM_007282.4); c.571T>A, p.Ser191Thr (NM_001378291.1); short protein forms S203T, S322T, S191T.
Identifiers: ClinVar variation 3678804 (VCV003678804.2).
Genomic context (GRCh38, chr3:149,960,922, plus strand): 5'-GAAAATGAAGTGACAGAACATACCCCTTTACTGAGACCTTTAGCTTCTGTCAGTGCCCAG[T>A]CATTTGGGGCTTTATCGGAATCCCGCTCACATCAGAACATGACAGAATCTTCAGACTATG-3'
Protein context (NP_899237.1, residues 312-332): LRPLASVSAQ[Ser322Thr]FGALSESRSH

ClinVar aggregate classification (germline): Uncertain significance (1 of 4 stars; one submission).

gnomAD v4.1: 9 of 1,614,184 alleles (0.00056%); highest among the groups gnomAD compares: Non-Finnish European, 0.00076%; no homozygotes.

Submission:

Labcorp Genetics (formerly Invitae), Labcorp
Classification: Uncertain significance. Last evaluated: 2024-05-31. Review status: criteria provided, single submitter. Criteria: Invitae Variant Classification Sherloc (09022015). Collection method: clinical testing. Allele origin: germline.
Comment: This sequence change replaces serine, which is neutral and polar, with threonine, which is neutral and polar, at codon 322 of the RNF13 protein (p.Ser322Thr). This variant is not present in population databases (gnomAD no frequency). This variant has not been reported in the literature in individuals affected with RNF13-related conditions. An algorithm developed to predict the effect of missense changes on protein structure and function (PolyPhen-2) suggests that this variant is likely to be disruptive. In summary, the available evidence is currently insufficient to determine the role of this variant in disease. Therefore, it has been classified as a Variant of Uncertain Significance.